The following is an entry in ClinVar:

ClinVar aggregate classification (germline): Conflicting classifications of pathogenicity. Review status: criteria provided, conflicting classifications (1 of 4 stars). 2 submissions from 2 submitters: Uncertain significance (1); Likely benign (1). Last evaluated 2025-08-15.

Conditions:
Hereditary cancer-predisposing syndrome. Also called: Hereditary neoplastic syndrome; Neoplastic Syndromes, Hereditary; Hereditary Cancer Syndrome; Tumor predisposition. Identifiers: Orphanet 140162, MedGen C0027672, MeSH D009386, MONDO:0015356.
Hereditary breast ovarian cancer syndrome. Also called: BRCA1- and BRCA2-Associated Hereditary Breast and Ovarian Cancer; Hereditary breast and ovarian cancer syndrome (HBOC); Hereditary breast and/or ovarian cancer syndrome; Hereditary breast and ovarian cancer syndrome; Hereditary breast and ovarian cancer; Breast and ovarian cancer. Identifiers: Orphanet 145, MedGen C0677776, MeSH D061325, MONDO:0003582. Disease mechanism: loss of function.

Submissions (2):

Ambry Genetics
Classification: Likely benign for Hereditary cancer-predisposing syndrome. Last evaluated: 2025-08-15. Review status: criteria provided, single submitter. Criteria: Ambry Variant Classification Scheme 2023. Collection method: clinical testing. Allele origin: germline.

Labcorp Genetics (formerly Invitae), Labcorp
Classification: Uncertain significance for Hereditary breast ovarian cancer syndrome. Last evaluated: 2022-08-21. Review status: criteria provided, single submitter. Criteria: Invitae Variant Classification Sherloc (09022015). Collection method: clinical testing. Allele origin: germline.
Comment: This variant has not been reported in the literature in individuals affected with BRCA2-related conditions. In summary, the available evidence is currently insufficient to determine the role of this variant in disease. Therefore, it has been classified as a Variant of Uncertain Significance. Advanced modeling of protein sequence and biophysical properties (such as structural, functional, and spatial information, amino acid conservation, physicochemical variation, residue mobility, and thermodynamic stability) performed at Invitae indicates that this missense variant is not expected to disrupt BRCA2 protein function. This variant is not present in population databases (gnomAD no frequency). This sequence change replaces glutamine, which is neutral and polar, with histidine, which is basic and polar, at codon 3247 of the BRCA2 protein (p.Gln3247His).

NM_000059.4(BRCA2):c.9741G>T (p.Gln3247His)

Gene: BRCA2 (BRCA2 DNA repair associated; plus strand). Cytogenetic location: 13q13.1.
Variant type: single nucleotide variant.
Coding change: c.9741G>T on transcript NM_000059.4 (MANE Select); coding-DNA position 9741, G replaced by T.
Protein change: p.Gln3247His; replaces glutamine 3247 with histidine.
Molecular consequence: missense variant.
Genome position (GRCh38, 1-based): chr13:32,398,254, G>T. VCF-style: chr13-32398254-G-T. GRCh37 (hg19) VCF-style: chr13-32972391-G-T.
Other names: c.9645G>T, p.Gln3215His (NM_001406719.1); c.9690G>T, p.Gln3230His (NM_001406720.1); c.4809G>T, p.Gln1603His (NM_001406721.1); c.3324G>T, p.Gln1108His (NM_001406722.1); short protein forms Q1108H, Q1603H, Q3215H, Q3230H, Q3247H.
Identifiers: ClinVar variation 1717422 (VCV001717422.7), dbSNP rs1555289942, ClinGen allele CA387765593.